The following is an entry in ClinVar:

NM_004655.4(AXIN2):c.2398A>G (p.Asn800Asp)

Gene: AXIN2 (axin 2; minus strand). Cytogenetic location: 17q24.1.
Variant type: single nucleotide variant.
Coding change: c.2398A>G on transcript NM_004655.4 (MANE Select); coding-DNA position 2398, A replaced by G.
Protein change: p.Asn800Asp; replaces asparagine 800 with aspartic acid.
Molecular consequence: missense variant.
Genome position (GRCh38, 1-based): chr17:65,533,919, T>C on the plus strand (A>G on the coding strand, the complement: AXIN2 is on the minus strand). VCF-style: chr17-65533919-T-C. GRCh37 (hg19) VCF-style: chr17-63530037-T-C.
Other names: c.2203A>G, p.Asn735Asp (NM_001363813.1); short protein forms N800D, N735D.
Identifiers: ClinVar variation 3722351 (VCV003722351.2).

ClinVar aggregate classification (germline): Uncertain significance (1 of 4 stars; one submission).

Conditions:
Oligodontia-cancer predisposition syndrome. Also called: TOOTH AGENESIS-COLORECTAL CANCER SYNDROME. Identifiers: Orphanet 300576, MedGen C1837750, MONDO:0012075, OMIM 608615. Disease mechanism: loss of function.

Submission:

Labcorp Genetics (formerly Invitae), Labcorp
Classification: Uncertain significance for Oligodontia-cancer predisposition syndrome. Last evaluated: 2024-12-29. Review status: criteria provided, single submitter. Criteria: Invitae Variant Classification Sherloc (09022015). Collection method: clinical testing. Allele origin: germline.
Comment: This sequence change replaces asparagine, which is neutral and polar, with aspartic acid, which is acidic and polar, at codon 800 of the AXIN2 protein (p.Asn800Asp). This variant is not present in population databases (gnomAD no frequency). This variant has not been reported in the literature in individuals affected with AXIN2-related conditions. Invitae Evidence Modeling of protein sequence and biophysical properties (such as structural, functional, and spatial information, amino acid conservation, physicochemical variation, residue mobility, and thermodynamic stability) indicates that this missense variant is expected to disrupt AXIN2 protein function with a positive predictive value of 80%. In summary, the available evidence is currently insufficient to determine the role of this variant in disease. Therefore, it has been classified as a Variant of Uncertain Significance.